The following is an entry in ClinVar:

NM_012141.3(INTS6):c.1215A>C (p.Thr405=)

Gene: INTS6 (integrator complex subunit 6; minus strand). Cytogenetic location: 13q14.3.
Variant type: single nucleotide variant.
Coding change: c.1215A>C on transcript NM_012141.3 (MANE Select); coding-DNA position 1215, A replaced by C.
Protein change: p.Thr405=; no amino-acid change (threonine 405 retained).
Molecular consequence: synonymous variant.
Genome position (GRCh38, 1-based): chr13:51,382,089, T>G on the plus strand (A>C on the coding strand, the complement: INTS6 is on the minus strand). VCF-style: chr13-51382089-T-G. GRCh37 (hg19) VCF-style: chr13-51956225-T-G.
Other names: c.1176A>C, p.Thr392= (NM_001039937.2); c.681A>C, p.Thr227= (NM_001306091.2).
Identifiers: ClinVar variation 3037830 (VCV003037830.2), dbSNP rs61749885, ClinGen allele CA6986972.

ClinVar aggregate classification (germline): Benign (0 of 4 stars; one submission).

Conditions:
INTS6-related disorder. Also called: INTS6-related condition.

Allele frequency attached by ClinVar (database versions not stated): ESP Exome Variant Server 0.00738; TOPMed 0.01250; 1000 Genomes Project 30x 0.02858; 1000 Genomes Project 0.02895.
gnomAD v4.1: 20,156 of 1,611,586 alleles (1.3%); highest among the groups gnomAD compares: East Asian, 6.6%; 304 homozygotes.

Submission:

PreventionGenetics, part of Exact Sciences
Classification: Benign for INTS6-related condition. Last evaluated: 2019-04-11. Review status: no assertion criteria provided. Collection method: clinical testing. Allele origin: germline.
Comment: This variant is classified as benign based on ACMG/AMP sequence variant interpretation guidelines (Richards et al. 2015 PMID: 25741868, with internal and published modifications).